The following is an entry in ClinVar:

NM_004525.3(LRP2):c.9128G>A (p.Arg3043His)

Gene: LRP2 (LDL receptor related protein 2; minus strand). Cytogenetic location: 2q31.1.
Variant type: single nucleotide variant.
Coding change: c.9128G>A on transcript NM_004525.3 (MANE Select); coding-DNA position 9128, G replaced by A.
Protein change: p.Arg3043His; replaces arginine 3043 with histidine.
Molecular consequence: missense variant.
Genome position (GRCh38, 1-based): chr2:169,188,170, C>T on the plus strand (G>A on the coding strand, the complement: LRP2 is on the minus strand). VCF-style: chr2-169188170-C-T. GRCh37 (hg19) VCF-style: chr2-170044680-C-T.
Other names: short protein forms R3043H.
Identifiers: ClinVar variation 332116 (VCV000332116.12), dbSNP rs143078432, ClinGen allele CA1953657.

ClinVar aggregate classification (germline): Conflicting classifications of pathogenicity. Review status: criteria provided, conflicting classifications (1 of 4 stars). 5 submissions from 5 submitters: Uncertain significance (2); Likely benign (2). 1 of the submissions does not count toward it. Last evaluated 2026-01-27.

Conditions:
LRP2-related disorder. Also called: LRP2-related condition.
Donnai-Barrow syndrome. Also called: DBS/FOAR SYNDROME; FACIOOCULOACOUSTICORENAL SYNDROME. Identifiers: Orphanet 2143, MedGen C1857277, MONDO:0009104, OMIM 222448.

Allele frequency attached by ClinVar (database versions not stated): gnomAD 0.00003 and 0.00005; TOPMed 0.00003; gnomAD exomes 0.00009 and 0.00008; ESP Exome Variant Server 0.00008; ExAC 0.00009.
gnomAD v4.1: 142 of 1,614,110 alleles (0.0088%); highest among the groups gnomAD compares: South Asian, 0.035%; 1 homozygote.

Submissions (5):

Labcorp Genetics (formerly Invitae), Labcorp
Classification: Likely benign. Last evaluated: 2026-01-27. Review status: criteria provided, single submitter. Criteria: Invitae Variant Classification Sherloc (09022015). Collection method: clinical testing. Allele origin: germline.

Blueprint Genetics
Classification: Likely benign. Last evaluated: 2024-11-25. Review status: criteria provided, single submitter. Criteria: ACMG Guidelines, 2015. Collection method: clinical testing. Allele origin: germline.

Illumina Laboratory Services, Illumina
Classification: Uncertain significance for Donnai-Barrow syndrome. Last evaluated: 2018-01-12. Review status: criteria provided, single submitter. Criteria: ICSL Variant Classification Criteria 13 December 2019. Collection method: clinical testing. Allele origin: germline.

Breakthrough Genomics
Classification: Uncertain significance. Review status: criteria provided, single submitter. Criteria: ACMG Guidelines, 2015. Collection method: not provided. Allele origin: germline. Inheritance: Autosomal recessive inheritance. Affected: yes.

PreventionGenetics, part of Exact Sciences
Classification: Uncertain significance for LRP2-related condition. Last evaluated: 2024-07-24. Review status: no assertion criteria provided. Collection method: clinical testing. Allele origin: germline. Not counted in ClinVar's aggregate classification.
Comment: The LRP2 c.9128G>A variant is predicted to result in the amino acid substitution p.Arg3043His. To our knowledge, this variant has not been reported in the literature. This variant is reported in 0.033% of alleles in individuals of South Asian descent in gnomAD. At this time, the clinical significance of this variant is uncertain due to the absence of conclusive functional and genetic evidence.